The following is an entry in ClinVar:

ClinVar aggregate classification (germline): Uncertain significance (1 of 4 stars; one submission).

Allele frequency attached by ClinVar (database versions not stated): TOPMed below 0.00001; ExAC 0.00002; gnomAD exomes 0.00003.
gnomAD v4.1: 9 of 1,614,262 alleles (0.00056%); highest among the groups gnomAD compares: Admixed American, 0.0083%; no homozygotes.

Submission:

Labcorp Genetics (formerly Invitae), Labcorp
Classification: Uncertain significance. Last evaluated: 2025-07-13. Review status: criteria provided, single submitter. Criteria: Invitae Variant Classification Sherloc (09022015). Collection method: clinical testing. Allele origin: germline.
Comment: This sequence change replaces aspartic acid, which is acidic and polar, with glycine, which is neutral and non-polar, at codon 903 of the REST protein (p.Asp903Gly). This variant is present in population databases (rs773713906, gnomAD 0.01%). This variant has not been reported in the literature in individuals affected with REST-related conditions. ClinVar contains an entry for this variant (Variation ID: 1450132). An algorithm developed to predict the effect of missense changes on protein structure and function outputs the following: PolyPhen-2: "Benign". The glycine amino acid residue is found in multiple mammalian species, which suggests that this missense change does not adversely affect protein function. In summary, the available evidence is currently insufficient to determine the role of this variant in disease. Therefore, it has been classified as a Variant of Uncertain Significance.

NM_005612.5(REST):c.2708A>G (p.Asp903Gly)

Gene: REST (RE1 silencing transcription factor; plus strand). Cytogenetic location: 4q12.
Variant type: single nucleotide variant.
Coding change: c.2708A>G on transcript NM_005612.5 (MANE Select); coding-DNA position 2708, A replaced by G.
Protein change: p.Asp903Gly; replaces aspartic acid 903 with glycine.
Molecular consequence: missense variant.
Genome position (GRCh38, 1-based): chr4:56,931,566, A>G. VCF-style: chr4-56931566-A-G. GRCh37 (hg19) VCF-style: chr4-57797732-A-G.
Other names: c.2708A>G, p.Asp903Gly (NM_001193508.2, NM_001363453.3); short protein forms D903G.
Identifiers: ClinVar variation 1450132 (VCV001450132.4), dbSNP rs773713906, ClinGen allele CA2932536.